The following is an entry in ClinVar:

NM_201525.4(ADGRG1):c.547C>G (p.Leu183Val)

Gene: ADGRG1 (adhesion G protein-coupled receptor G1; plus strand). Cytogenetic location: 16q21.
Variant type: single nucleotide variant.
Coding change: c.547C>G on transcript NM_201525.4 (MANE Select); coding-DNA position 547, C replaced by G.
Protein change: p.Leu183Val; replaces leucine 183 with valine.
Molecular consequence: missense variant. On other transcripts: intron variant (1).
Genome position (GRCh38, 1-based): chr16:57,653,262, C>G. VCF-style: chr16-57653262-C-G. GRCh37 (hg19) VCF-style: chr16-57687174-C-G.
Other names: c.547C>G, p.Leu183Val (NM_001145770.3, NM_001145771.3, NM_001145772.3 and 16 more transcripts); c.562C>G, p.Leu188Val (NM_001145773.3, NM_001370433.1); c.22C>G, p.Leu8Val (NM_001290143.2, NM_001290144.2, NM_001370451.1 and 2 more transcripts); c.391C>G, p.Leu131Val (NM_001370442.1); c.111-724C>G (NM_001290142.2); short protein forms L183V, L188V, L8V, L131V.
Identifiers: ClinVar variation 4769809 (VCV004769809.1).

ClinVar aggregate classification (germline): Uncertain significance (1 of 4 stars; one submission).

Submission:

Labcorp Genetics (formerly Invitae), Labcorp
Classification: Uncertain significance. Last evaluated: 2025-10-22. Review status: criteria provided, single submitter. Criteria: Invitae Variant Classification Sherloc (09022015). Collection method: clinical testing. Allele origin: germline.
Comment: This sequence change replaces leucine, which is neutral and non-polar, with valine, which is neutral and non-polar, at codon 183 of the ADGRG1 protein (p.Leu183Val). This variant is not present in population databases (gnomAD no frequency). This variant has not been reported in the literature in individuals affected with ADGRG1-related conditions. Invitae Evidence Modeling of protein sequence and biophysical properties (such as structural, functional, and spatial information, amino acid conservation, physicochemical variation, residue mobility, and thermodynamic stability) has been performed for this missense variant. However, the output from this modeling did not meet the statistical confidence thresholds required to predict the impact of this variant on ADGRG1 protein function. In summary, the available evidence is currently insufficient to determine the role of this variant in disease. Therefore, it has been classified as a Variant of Uncertain Significance.